The following is an entry in ClinVar:

NM_020937.4(FANCM):c.2493A>C (p.Glu831Asp)

Gene: FANCM (FA complementation group M; plus strand). Cytogenetic location: 14q21.2.
Variant type: single nucleotide variant.
Coding change: c.2493A>C on transcript NM_020937.4 (MANE Select); coding-DNA position 2493, A replaced by C.
Protein change: p.Glu831Asp; replaces glutamic acid 831 with aspartic acid.
Molecular consequence: missense variant.
Genome position (GRCh38, 1-based): chr14:45,175,247, A>C. VCF-style: chr14-45175247-A-C. GRCh37 (hg19) VCF-style: chr14-45644450-A-C.
Other names: c.2415A>C, p.Glu805Asp (NM_001308133.2); short protein forms E805D, E831D.
Identifiers: ClinVar variation 1691894 (VCV001691894.2), dbSNP rs780819683, ClinGen allele CA7169362.

ClinVar aggregate classification (germline): Uncertain significance. Review status: criteria provided, multiple submitters, no conflicts (2 of 4 stars). 2 submissions from 2 submitters: Uncertain significance (2). Last evaluated 2025-05-06.

Conditions:
Inborn genetic diseases. Identifiers: MedGen C0950123, MeSH D030342.
Hereditary cancer-predisposing syndrome. Also called: Hereditary Cancer Syndrome; Hereditary neoplastic syndrome; Neoplastic Syndromes, Hereditary; Tumor predisposition. Identifiers: Orphanet 140162, MedGen C0027672, MeSH D009386, MONDO:0015356.

Allele frequency attached by ClinVar (database versions not stated): gnomAD exomes below 0.00001 and 0.00001; ExAC 0.00001; gnomAD 0.00001.
gnomAD v4.1: 3 of 1,609,436 alleles (0.00019%); highest among the groups gnomAD compares: African/African-American, 0.004%; no homozygotes.

Submissions (2):

Ambry Genetics
Classification: Uncertain significance for Inborn genetic diseases. Last evaluated: 2025-05-06. Review status: criteria provided, single submitter. Criteria: Ambry Variant Classification Scheme 2023. Collection method: clinical testing. Allele origin: germline.
Comment: The p.E831D variant (also known as c.2493A>C), located in coding exon 14 of the FANCM gene, results from an A to C substitution at nucleotide position 2493. The glutamic acid at codon 831 is replaced by aspartic acid, an amino acid with highly similar properties. This amino acid position is conserved. In addition, this alteration is predicted to be tolerated by in silico analysis. Based on the available evidence, the clinical significance of this variant remains unclear.

Sema4
Classification: Uncertain significance for Hereditary cancer-predisposing syndrome. Last evaluated: 2022-01-09. Review status: criteria provided, single submitter. Criteria: Sema4 Curation Guidelines. Collection method: curation. Allele origin: germline.
Comment: The FANCM c.2493A>C (p.E831D) variant has not been reported in literature to our knowledge. It was observed in 2/16198 chromosomes in the African/African American subpopulation in the Genome Aggregation Database (PMID: 32461654). This variant has not been reported in ClinVar. In silico tools suggest the impact of the variant on protein function is benign, though these predictions have not been confirmed by functional studies. The evidence is insufficient to meet ACMG/AMP criteria for classifying the variant as benign or pathogenic. Thus, the clinical significance of this variant is currently uncertain.